The following is an entry in ClinVar:

NM_019066.5(MAGEL2):c.220_222dup (p.Ala74_Pro75insAla)

Gene: MAGEL2 (MAGE family member L2; minus strand). Cytogenetic location: 15q11.2.
Variant type: Duplication.
Coding change: c.220_222dup on transcript NM_019066.5 (MANE Select); coding-DNA positions 220 to 222, 3 bases duplicated (GCC; older notation c.220_222dupGCC).
Protein change: p.Ala74_Pro75insAla.
Molecular consequence: inframe insertion.
Genome position (GRCh38, 1-based): chr15:23,647,521-23,647,523, GGC duplicated on the plus strand (GCC on the coding strand, the reverse complement: MAGEL2 is on the minus strand); duplicating any 3 consecutive bases within chr15:23,647,521-23,647,525 gives the same sequence; the c. name uses the placement nearest the transcript's 3' end. VCF-style (leftmost placement, unchanged base first): chr15-23647520-G-GGGC. GRCh37 (hg19) VCF-style: chr15-23892667-G-GGGC.
Identifiers: ClinVar variation 4990771 (VCV004990771.1).
Genomic context (GRCh38, chr15:23,647,520, plus strand): 5'-GCGGGGGAGCCGGGACTATCGGGCCCCCTAGGGCAGGAGGCTGGGTCATCGGAACCACCG[G>GGGC]GGCGGGCAGCTGGCCCTGTGGGGCCTCCCAGGCAGGCTGAGGTGCCTGCCAAGCGGCCAA-3'

ClinVar aggregate classification (germline): Uncertain significance (1 of 4 stars; one submission).

Conditions:
MAGEL2-related disorder. Also called: MAGEL2-related condition.

Submission:

PreventionGenetics, part of Exact Sciences
Classification: Uncertain significance for MAGEL2-related condition. Last evaluated: 2026-09-17. Review status: criteria provided, single submitter. Criteria: ACMG Guidelines, 2015. Collection method: clinical testing. Allele origin: germline.
Comment: The MAGEL2 c.220_222dupGCC variant is predicted to result in an in-frame duplication (p.Ala74dup). To our knowledge, this variant has not been reported in the literature or in a large population database (gnomAD), indicating this variant is rare. At this time, the clinical significance of this variant is uncertain due to the absence of conclusive functional and genetic evidence.